The following is an entry in ClinVar:

NM_001384732.1(CPLANE1):c.4698A>G (p.Leu1566=)

Gene: CPLANE1 (ciliogenesis and planar polarity effector complex subunit 1; minus strand). Cytogenetic location: 5p13.2.
Variant type: single nucleotide variant.
Coding change: c.4698A>G on transcript NM_001384732.1 (MANE Select); coding-DNA position 4698, A replaced by G.
Protein change: p.Leu1566=; no amino-acid change (leucine 1566 retained).
Molecular consequence: synonymous variant.
Genome position (GRCh38, 1-based): chr5:37,183,483, T>C on the plus strand (A>G on the coding strand, the complement: CPLANE1 is on the minus strand). VCF-style: chr5-37183483-T-C. GRCh37 (hg19) VCF-style: chr5-37183585-T-C.
Other names: c.4698A>G, p.Leu1566= (NM_023073.4).
Identifiers: ClinVar variation 158037 (VCV000158037.67), dbSNP rs143312971, ClinGen allele CA171439.

ClinVar aggregate classification (germline): Benign/Likely benign. Review status: criteria provided, multiple submitters, no conflicts (2 of 4 stars). 12 submissions from 12 submitters: Benign (3); Likely benign (6). 3 of the submissions do not count toward it. Last evaluated 2026-09-01.

Conditions:
Joubert syndrome 17 (JBTS17). Identifiers: Orphanet 475, MedGen C3553264, MONDO:0013824, OMIM 614615.

Allele frequency attached by ClinVar (database versions not stated): 1000 Genomes Project 0.00319; 1000 Genomes Project 30x 0.00328; gnomAD exomes 0.00458 and 0.00595; gnomAD 0.00462 and 0.00478; TOPMed 0.00480; ExAC 0.00494; ESP Exome Variant Server 0.00523.
gnomAD v4.1: 9,367 of 1,613,182 alleles (0.58%); highest among the groups gnomAD compares: Non-Finnish European, 0.72%; 46 homozygotes.

Submissions (12):

CeGaT Center for Human Genetics Tuebingen
Classification: Likely benign. Last evaluated: 2026-09-01. Review status: criteria provided, single submitter. Criteria: CeGaT Center For Human Genetics Tuebingen Variant Classification Criteria Version 2. Collection method: clinical testing. Allele origin: germline. Affected: yes. Observed: 47 variant alleles.
Comment: CPLANE1: BP4, BP7, BS2

Labcorp Genetics (formerly Invitae), Labcorp
Classification: Benign. Last evaluated: 2026-02-04. Review status: criteria provided, single submitter. Criteria: Invitae Variant Classification Sherloc (09022015). Collection method: clinical testing. Allele origin: germline.

Blueprint Genetics
Classification: Likely benign. Last evaluated: 2024-11-26. Review status: criteria provided, single submitter. Criteria: ACMG Guidelines, 2015. Collection method: clinical testing. Allele origin: germline.

GeneDx
Classification: Benign. Last evaluated: 2019-04-11. Review status: criteria provided, single submitter. Criteria: GeneDx Variant Classification Process June 2021. Collection method: clinical testing. Allele origin: germline. Affected: yes.

Illumina Laboratory Services, Illumina
Classification: Likely benign for Joubert syndrome 17. Last evaluated: 2018-01-13. Review status: criteria provided, single submitter. Criteria: ICSL Variant Classification Criteria 13 December 2019. Collection method: clinical testing. Allele origin: germline.
Comment: This variant was observed in the ICSL laboratory as part of a predisposition screen in an ostensibly healthy population. It had not been previously curated by ICSL or reported in the Human Gene Mutation Database (HGMD: prior to June 1st, 2018), and was therefore a candidate for classification through an automated scoring system. Utilizing variant allele frequency, disease prevalence and penetrance estimates, and inheritance mode, an automated score was calculated to assess if this variant is too frequent to cause the disease. Based on the score and internal cut-off values, a variant classified as likely benign is not then subjected to further curation. The score for this variant resulted in a classification of likely benign for this disease.

Clinical Genetics DNA and cytogenetics Diagnostics Lab, Erasmus MC, Erasmus Medical Center
Classification: Likely benign for Joubert syndrome 17. Last evaluated: 2015-09-21. Review status: criteria provided, single submitter. Criteria: ACGS Guidelines, 2013. Collection method: clinical testing. Allele origin: germline. Affected: yes. Study: VKGL Data-share Consensus.

Eurofins Ntd Llc (ga)
Classification: Likely benign. Last evaluated: 2015-02-14. Review status: criteria provided, single submitter. Criteria: EGL Classification Definitions 2015. Collection method: clinical testing. Allele origin: germline. Observed: 1 variant allele, 1 heterozygote.

Breakthrough Genomics
Classification: Likely benign. Review status: criteria provided, single submitter. Criteria: ACMG Guidelines, 2015. Collection method: not provided. Allele origin: germline. Inheritance: Autosomal recessive inheritance. Affected: yes.

PreventionGenetics, part of Exact Sciences
Classification: Benign. Review status: criteria provided, single submitter. Criteria: ACMG Guidelines, 2015. Collection method: clinical testing. Allele origin: germline.

Clinical Genetics, Academic Medical Center
Classification: Likely benign. Review status: no assertion criteria provided. Collection method: clinical testing. Allele origin: germline. Affected: yes. Study: VKGL Data-share Consensus. Not counted in ClinVar's aggregate classification.

Genetic Services Laboratory, University of Chicago
Classification: Likely benign. Review status: no assertion criteria provided. Collection method: clinical testing. Allele origin: germline. Inheritance: Autosomal recessive inheritance. Not counted in ClinVar's aggregate classification.
Comment: Likely benign based on allele frequency in 1000 Genomes Project or ESP global frequency and its presence in a patient with a rare or unrelated disease phenotype. NOT Sanger confirmed

Genome Diagnostics Laboratory, University Medical Center Utrecht
Classification: Likely benign. Review status: no assertion criteria provided. Collection method: clinical testing. Allele origin: germline. Affected: yes. Study: VKGL Data-share Consensus. Not counted in ClinVar's aggregate classification.